The following is an entry in ClinVar:

NM_005577.4(LPA):c.555C>T (p.Gly185=)

Gene: LPA (lipoprotein(a); minus strand). Cytogenetic location: 6q26.
Variant type: single nucleotide variant.
Coding change: c.555C>T on transcript NM_005577.4 (MANE Select); coding-DNA position 555, C replaced by T.
Protein change: p.Gly185=; no amino-acid change (glycine 185 retained).
Molecular consequence: synonymous variant.
Genome position (GRCh38, 1-based): chr6:160,640,845, G>A on the plus strand (C>T on the coding strand, the complement: LPA is on the minus strand). VCF-style: chr6-160640845-G-A. GRCh37 (hg19) VCF-style: chr6-161061877-G-A.
Identifiers: ClinVar variation 2657117 (VCV002657117.24), dbSNP rs763566344, ClinGen allele CA4087159.

ClinVar aggregate classification (germline): Likely benign (1 of 4 stars; one submission).

Submission:

CeGaT Center for Human Genetics Tuebingen
Classification: Likely benign. Last evaluated: 2023-03-01. Review status: criteria provided, single submitter. Criteria: CeGaT Center For Human Genetics Tuebingen Variant Classification Criteria Version 2. Collection method: clinical testing. Allele origin: germline. Affected: yes. Observed: 1 variant allele.
Comment: LPA: BP4, BP7